The following is an entry in ClinVar:

NM_001943.5(DSG2):c.2699A>G (p.Glu900Gly)

Genes: DSG2 (desmoglein 2; plus strand), DSG2-AS1 (DSG2 antisense RNA 1; minus strand). Cytogenetic location: 18q12.1.
Variant type: single nucleotide variant.
Coding change: c.2699A>G on transcript NM_001943.5 (MANE Select); coding-DNA position 2699, A replaced by G.
Protein change: p.Glu900Gly; replaces glutamic acid 900 with glycine.
Molecular consequence: missense variant.
Genome position (GRCh38, 1-based): chr18:31,546,085, A>G. VCF-style: chr18-31546085-A-G. GRCh37 (hg19) VCF-style: chr18-29126048-A-G.
Other names: short protein forms E900G.
Identifiers: ClinVar variation 1970705 (VCV001970705.5), dbSNP rs1193571793, ClinGen allele CA402146216.
Genomic context (GRCh38, chr18:31,546,085, plus strand): 5'-ATACCTACTCCTCTGGCAGTAGCTTCCCAGTTCCAAAATCTTTGCAAGAAGCCAATGCAG[A>G]GAAAGTAACTCAGGAAATAGTCACTGAAAGATCTGTGTCTTCTAGGCAGGCGCAAAAGGT-3'
Protein context (NP_001934.2, residues 890-910): VPKSLQEANA[Glu900Gly]KVTQEIVTER

ClinVar aggregate classification (germline): Uncertain significance (1 of 4 stars; one submission).

Conditions:
Arrhythmogenic right ventricular dysplasia 10. Also called: Arrhythmogenic Right Ventricular Dysplasia/Cardiomyopathy10; ARRHYTHMOGENIC RIGHT VENTRICULAR DYSPLASIA, FAMILIAL, 10; Arrhythmogenic right ventricular dysplasia/cardiomyopathy, type 10. Identifiers: MedGen C1857777, MONDO:0012434, OMIM 610193.

Allele frequency attached by ClinVar (database versions not stated): gnomAD exomes below 0.00001.
gnomAD v4.1: 1 of 1,614,256 alleles (0.000062%); highest among the groups gnomAD compares: Non-Finnish European, 0.000085%; no homozygotes.

Submission:

Labcorp Genetics (formerly Invitae), Labcorp
Classification: Uncertain significance for Arrhythmogenic right ventricular dysplasia 10. Last evaluated: 2022-09-23. Review status: criteria provided, single submitter. Criteria: Invitae Variant Classification Sherloc (09022015). Collection method: clinical testing. Allele origin: germline.
Comment: In summary, the available evidence is currently insufficient to determine the role of this variant in disease. Therefore, it has been classified as a Variant of Uncertain Significance. Advanced modeling of protein sequence and biophysical properties (such as structural, functional, and spatial information, amino acid conservation, physicochemical variation, residue mobility, and thermodynamic stability) performed at Invitae indicates that this missense variant is not expected to disrupt DSG2 protein function. This variant has not been reported in the literature in individuals affected with DSG2-related conditions. This variant is present in population databases (no rsID available, gnomAD 0.0009%). This sequence change replaces glutamic acid, which is acidic and polar, with glycine, which is neutral and non-polar, at codon 900 of the DSG2 protein (p.Glu900Gly).